The following is an entry in ClinVar:

ClinVar aggregate classification (germline): Uncertain significance (1 of 4 stars; one submission).

gnomAD v4.1: 2 of 1,486,584 alleles (0.00013%); highest among the groups gnomAD compares: East Asian, 0.0048%; no homozygotes.

Submission:

Labcorp Genetics (formerly Invitae), Labcorp
Classification: Uncertain significance. Last evaluated: 2025-05-19. Review status: criteria provided, single submitter. Criteria: Invitae Variant Classification Sherloc (09022015). Collection method: clinical testing. Allele origin: germline.
Comment: This sequence change replaces threonine, which is neutral and polar, with alanine, which is neutral and non-polar, at codon 381 of the ARHGEF1 protein (p.Thr381Ala). This variant is not present in population databases (gnomAD no frequency). This variant has not been reported in the literature in individuals affected with ARHGEF1-related conditions. An algorithm developed to predict the effect of missense changes on protein structure and function outputs the following: PolyPhen-2: "Benign". The alanine amino acid residue is found in multiple mammalian species, which suggests that this missense change does not adversely affect protein function. In summary, the available evidence is currently insufficient to determine the role of this variant in disease. Therefore, it has been classified as a Variant of Uncertain Significance.

NM_004706.4(ARHGEF1):c.1096A>G (p.Thr366Ala)

Gene: ARHGEF1 (Rho guanine nucleotide exchange factor 1; plus strand). Cytogenetic location: 19q13.2.
Variant type: single nucleotide variant.
Coding change: c.1096A>G on transcript NM_004706.4 (MANE Select); coding-DNA position 1096, A replaced by G.
Protein change: p.Thr366Ala; replaces threonine 366 with alanine.
Molecular consequence: missense variant. On other transcripts: non-coding transcript variant (2).
Genome position (GRCh38, 1-based): chr19:41,896,457, A>G. VCF-style: chr19-41896457-A-G. GRCh37 (hg19) VCF-style: chr19-42400530-A-G.
Other names: c.1096A>G, p.Thr366Ala (NM_001396000.1, NM_001396003.1, NM_001396006.1); c.997A>G, p.Thr333Ala (NM_001396002.1, NM_001396004.1, NM_198977.2); c.1141A>G, p.Thr381Ala (NM_199002.2); short protein forms T333A, T366A, T381A.
Identifiers: ClinVar variation 4796997 (VCV004796997.1).
Genomic context (GRCh38, chr19:41,896,457, plus strand): 5'-CTGGGGGACTCATCCCCGCAGGGCCCAATGAGCCTGGAGTCCTTGGCGCCCCCAGAGAGT[A>G]CCGACGAGGGGGCCGAAACCGAGAGGTGCCCAGGCTGGGGTGCAGGGGCGGGAGGTGTGG-3'
Protein context (NP_004697.2, residues 356-376): SLESLAPPES[Thr366Ala]DEGAETESPE